The following is an entry in ClinVar:

ClinVar aggregate classification (germline): Uncertain significance. Review status: criteria provided, multiple submitters, no conflicts (2 of 4 stars). 2 submissions from 2 submitters: Uncertain significance (2). Last evaluated 2024-04-25.

Conditions:
Aortic aneurysm, familial thoracic 7 (AAT7). Also called: AORTIC DISSECTION, FAMILIAL, WITH OR WITHOUT AORTIC ANEURYSM. Identifiers: MedGen C3151077, MONDO:0013418, OMIM 613780.
Familial thoracic aortic aneurysm and aortic dissection (TAAD). Also called: Thoracic aortic aneurysms and dissections. Identifiers: Orphanet 91387, MedGen C4707243, MONDO:0019625.

Allele frequency attached by ClinVar (database versions not stated): gnomAD exomes below 0.00001.
gnomAD v4.1: 1 of 1,614,142 alleles (0.000062%); highest among the groups gnomAD compares: Non-Finnish European, 0.000085%; no homozygotes.

Submissions (2):

Labcorp Genetics (formerly Invitae), Labcorp
Classification: Uncertain significance for Aortic aneurysm, familial thoracic 7. Last evaluated: 2024-04-25. Review status: criteria provided, single submitter. Criteria: Invitae Variant Classification Sherloc (09022015). Collection method: clinical testing. Allele origin: germline.
Comment: This sequence change replaces glutamic acid, which is acidic and polar, with valine, which is neutral and non-polar, at codon 703 of the MYLK protein (p.Glu703Val). This variant is not present in population databases (gnomAD no frequency). This variant has not been reported in the literature in individuals affected with MYLK-related conditions. ClinVar contains an entry for this variant (Variation ID: 2452960). Advanced modeling of protein sequence and biophysical properties (such as structural, functional, and spatial information, amino acid conservation, physicochemical variation, residue mobility, and thermodynamic stability) performed at Invitae indicates that this missense variant is not expected to disrupt MYLK protein function with a negative predictive value of 80%. In summary, the available evidence is currently insufficient to determine the role of this variant in disease. Therefore, it has been classified as a Variant of Uncertain Significance.

Ambry Genetics
Classification: Uncertain significance for Familial thoracic aortic aneurysm and aortic dissection. Last evaluated: 2023-01-01. Review status: criteria provided, single submitter. Criteria: Ambry Variant Classification Scheme 2023. Collection method: clinical testing. Allele origin: germline.
Comment: The p.E703V variant (also known as c.2108A>T), located in coding exon 12 of the MYLK gene, results from an A to T substitution at nucleotide position 2108. The glutamic acid at codon 703 is replaced by valine, an amino acid with dissimilar properties. This amino acid position is conserved. In addition, this alteration is predicted to be tolerated by in silico analysis. Since supporting evidence is limited at this time, the clinical significance of this alteration remains unclear.

NM_053025.4(MYLK):c.2108A>T (p.Glu703Val)

Gene: MYLK (myosin light chain kinase; minus strand). Cytogenetic location: 3q21.1.
Variant type: single nucleotide variant.
Coding change: c.2108A>T on transcript NM_053025.4 (MANE Select); coding-DNA position 2108, A replaced by T.
Protein change: p.Glu703Val; replaces glutamic acid 703 with valine.
Molecular consequence: missense variant.
Genome position (GRCh38, 1-based): chr3:123,708,730, T>A on the plus strand (A>T on the coding strand, the complement: MYLK is on the minus strand). VCF-style: chr3-123708730-T-A. GRCh37 (hg19) VCF-style: chr3-123427577-T-A.
Other names: c.1580A>T, p.Glu527Val (NM_001321309.2); c.1901A>T, p.Glu634Val (NM_053026.4, NM_053028.4); c.2108A>T, p.Glu703Val (NM_053027.4); short protein forms E634V, E703V, E527V.
Identifiers: ClinVar variation 2452960 (VCV002452960.5), dbSNP rs2474303206, ClinGen allele CA354234257.